The following is an entry in ClinVar:

ClinVar aggregate classification (germline): Uncertain significance (1 of 4 stars; one submission).

gnomAD v4.1: 22 of 1,610,168 alleles (0.0014%); highest among the groups gnomAD compares: African/African-American, 0.021%; no homozygotes.

Submission:

Labcorp Genetics (formerly Invitae), Labcorp
Classification: Uncertain significance. Last evaluated: 2025-07-27. Review status: criteria provided, single submitter. Criteria: Invitae Variant Classification Sherloc (09022015). Collection method: clinical testing. Allele origin: germline.
Comment: This sequence change falls in intron 18 of the FOCAD gene. It does not directly change the encoded amino acid sequence of the FOCAD protein. It affects a nucleotide within the consensus splice site. The frequency data for this variant in the population databases is considered unreliable, as metrics indicate poor data quality at this position in the gnomAD database. This variant has not been reported in the literature in individuals affected with FOCAD-related conditions. ClinVar contains an entry for this variant (Variation ID: 3668576). Variants that disrupt the consensus splice site are a relatively common cause of aberrant splicing (PMID: 17576681, 9536098). Algorithms developed to predict the effect of sequence changes on RNA splicing suggest that this variant is not likely to affect RNA splicing. In summary, the available evidence is currently insufficient to determine the role of this variant in disease. Therefore, it has been classified as a Variant of Uncertain Significance.

Literature cited by the submitters: PubMed 17576681; PubMed 9536098.

NM_001375567.1(FOCAD):c.2055+4T>G

Gene: FOCAD (focadhesin; plus strand). Cytogenetic location: 9p21.3.
Variant type: single nucleotide variant.
Coding change: c.2055+4T>G on transcript NM_001375567.1 (MANE Select); 4 bases into the intron after coding-DNA position 2055, T replaced by G.
Molecular consequence: intron variant.
Genome position (GRCh38, 1-based): chr9:20,862,716, T>G. VCF-style: chr9-20862716-T-G. GRCh37 (hg19) VCF-style: chr9-20862715-T-G.
Other names: c.2055+4T>G (NM_017794.5); c.1950+4T>G (NM_001375568.1, NM_001375570.1).
Identifiers: ClinVar variation 3668576 (VCV003668576.2).